The following is an entry in ClinVar:

NM_001130438.3(SPTAN1):c.4511T>A (p.Leu1504Gln)

Gene: SPTAN1 (spectrin alpha, non-erythrocytic 1; plus strand). Cytogenetic location: 9q34.11.
Variant type: single nucleotide variant.
Coding change: c.4511T>A on transcript NM_001130438.3 (MANE Select); coding-DNA position 4511, T replaced by A.
Protein change: p.Leu1504Gln; replaces leucine 1504 with glutamine.
Molecular consequence: missense variant.
Genome position (GRCh38, 1-based): chr9:128,608,893, T>A. VCF-style: chr9-128608893-T-A. GRCh37 (hg19) VCF-style: chr9-131371172-T-A.
Other names: p.Leu1504Gln; c.4451T>A, p.Leu1484Gln (NM_001195532.2, NM_001438442.1, NM_001438444.1 and 3 more transcripts); c.4511T>A, p.Leu1504Gln (NM_001363759.2, NM_001438443.1, NM_001438445.1 and 4 more transcripts); c.4547T>A, p.Leu1516Gln (NM_001375312.2, NM_001375318.1, NM_001438440.1); short protein forms L1484Q, L1516Q, L1504Q.
Identifiers: ClinVar variation 4541481 (VCV004541481.1).

ClinVar aggregate classification (germline): Uncertain significance (1 of 4 stars; one submission).

gnomAD v4.1: 2 of 1,614,068 alleles (0.00012%); highest among the groups gnomAD compares: Non-Finnish European, 0.00017%; no homozygotes.

Submission:

Mayo Clinic Laboratories, Mayo Clinic
Classification: Uncertain significance. Last evaluated: 2025-02-27. Review status: criteria provided, single submitter. Criteria: ACMG Guidelines, 2015. Collection method: clinical testing. Allele origin: germline. Observed: 1 variant allele.
Comment: PP2, PM2_supporting